The following is an entry in ClinVar:

NM_001369268.1(ACAN):c.89G>A (p.Ser30Asn)

Gene: ACAN (aggrecan; plus strand). Cytogenetic location: 15q26.1.
Variant type: single nucleotide variant.
Coding change: c.89G>A on transcript NM_001369268.1 (MANE Select); coding-DNA position 89, G replaced by A.
Protein change: p.Ser30Asn; replaces serine 30 with asparagine.
Molecular consequence: missense variant.
Genome position (GRCh38, 1-based): chr15:88,838,681, G>A. VCF-style: chr15-88838681-G-A. GRCh37 (hg19) VCF-style: chr15-89381912-G-A.
Other names: c.89G>A, p.Ser30Asn (NM_001135.4, NM_001411096.1, NM_001411097.1 and 1 more transcripts); short protein forms S30N.
Identifiers: ClinVar variation 1718094 (VCV001718094.5), dbSNP rs1324649266, ClinGen allele CA393714709.

ClinVar aggregate classification (germline): Uncertain significance (1 of 4 stars; one submission).

Allele frequency attached by ClinVar (database versions not stated): TOPMed below 0.00001; gnomAD 0.00001.
gnomAD v4.1: 1 of 1,589,518 alleles (0.000063%); highest among the groups gnomAD compares: Non-Finnish European, 0.000086%; no homozygotes.

Submission:

Labcorp Genetics (formerly Invitae), Labcorp
Classification: Uncertain significance. Last evaluated: 2022-08-27. Review status: criteria provided, single submitter. Criteria: Invitae Variant Classification Sherloc (09022015). Collection method: clinical testing. Allele origin: germline.
Comment: In summary, the available evidence is currently insufficient to determine the role of this variant in disease. Therefore, it has been classified as a Variant of Uncertain Significance. Algorithms developed to predict the effect of missense changes on protein structure and function are either unavailable or do not agree on the potential impact of this missense change (SIFT: "Deleterious"; PolyPhen-2: "Not Available"; Align-GVGD: "Class C45"). This variant has not been reported in the literature in individuals affected with ACAN-related conditions. This variant is not present in population databases (gnomAD no frequency). This sequence change replaces serine, which is neutral and polar, with asparagine, which is neutral and polar, at codon 30 of the ACAN protein (p.Ser30Asn).